The following is an entry in ClinVar:

ClinVar aggregate classification (germline): Uncertain significance. Review status: criteria provided, multiple submitters, no conflicts (2 of 4 stars). 2 submissions from 2 submitters: Uncertain significance (2). Last evaluated 2022-09-05.

Conditions:
Fanconi anemia, complementation group W. Identifiers: MedGen C4521564, MONDO:0044325, OMIM 617784.

Submissions (2):

Labcorp Genetics (formerly Invitae), Labcorp
Classification: Uncertain significance. Last evaluated: 2022-09-05. Review status: criteria provided, single submitter. Criteria: Invitae Variant Classification Sherloc (09022015). Collection method: clinical testing. Allele origin: germline.
Comment: This sequence change replaces valine, which is neutral and non-polar, with leucine, which is neutral and non-polar, at codon 397 of the RFWD3 protein (p.Val397Leu). This variant is not present in population databases (gnomAD no frequency). This variant has not been reported in the literature in individuals affected with RFWD3-related conditions. ClinVar contains an entry for this variant (Variation ID: 1185032). Algorithms developed to predict the effect of missense changes on protein structure and function (SIFT, PolyPhen-2, Align-GVGD) all suggest that this variant is likely to be tolerated. In summary, the available evidence is currently insufficient to determine the role of this variant in disease. Therefore, it has been classified as a Variant of Uncertain Significance.

Johns Hopkins Genomics, Johns Hopkins University
Classification: Uncertain significance for Fanconi anemia, complementation group W. Last evaluated: 2021-06-23. Review status: criteria provided, single submitter. Criteria: ACMG Guidelines, 2015. Collection method: clinical testing. Allele origin: germline.
Comment: RFWD3 c.1189G>C is absent from a large population dataset and has not been reported in ClinVar nor the literature, to our knowledge. Three bioinformatic tools queried predict that this substitution would be tolerated and the valine residue at this position is evolutionarily conserved across most mammalian species assessed. We consider the clinical significance of RFWD3 c.1189G>C to be uncertain at this time.

Literature cited by the submitters: PubMed 26474068 (cited by Johns Hopkins Genomics, Johns Hopkins University); PubMed 28691929 (cited by Johns Hopkins Genomics, Johns Hopkins University); PubMed 33044890 (cited by Johns Hopkins Genomics, Johns Hopkins University).

NM_018124.4(RFWD3):c.1189G>C (p.Val397Leu)

Gene: RFWD3 (ring finger and WD repeat domain 3; minus strand). Cytogenetic location: 16q23.1.
Variant type: single nucleotide variant.
Coding change: c.1189G>C on transcript NM_018124.4 (MANE Select); coding-DNA position 1189, G replaced by C.
Protein change: p.Val397Leu; replaces valine 397 with leucine.
Molecular consequence: missense variant.
Genome position (GRCh38, 1-based): chr16:74,637,861, C>G on the plus strand (G>C on the coding strand, the complement: RFWD3 is on the minus strand). VCF-style: chr16-74637861-C-G. GRCh37 (hg19) VCF-style: chr16-74671759-C-G.
Other names: c.1189G>C, p.Val397Leu (NM_001370534.1, NM_001370535.1, NM_001370536.1); c.355G>C, p.Val119Leu (NM_001370537.1, NM_001370539.1, NM_001370540.1 and 2 more transcripts); short protein forms V119L, V397L.
Identifiers: ClinVar variation 1185032 (VCV001185032.6), dbSNP rs1567572985, ClinGen allele CA396762267.
Genomic context (GRCh38, chr16:74,637,861, plus strand): 5'-CTTCCTCTTCCATTCCTATTCCAAAAGTTCTTTGGATTAGAAAGGACAAACGTACCTGAA[C>G]ACGCCTTTGAAGCCTAGTGCACTTATCAGTGAGGACCTGCAGTTGGAGTCGGCACTGTGC-3'
Protein context (NP_060594.3, residues 387-407): TDKCTRLQRR[Val397Leu]QDLQKLTSHQ